The following is an entry in ClinVar:

ClinVar aggregate classification (germline): Likely pathogenic (0 of 4 stars; one submission).

Conditions:
Becker muscular dystrophy (BMD). Also called: MUSCULAR DYSTROPHY, PSEUDOHYPERTROPHIC PROGRESSIVE, BECKER TYPE; Becker Muscular Dystrophy (BMD). Identifiers: Orphanet 98895, MedGen C0917713, MONDO:0010311, OMIM 300376.

Submission:

Solve-RD Consortium
Classification: Likely pathogenic for Becker muscular dystrophy. Last evaluated: 2024-06-01. Review status: no assertion criteria provided. Collection method: provider interpretation. Allele origin: germline. Affected: yes.
Comment: This CNV was confirmed by the submitting clinician to impact a gene that corresponds with the phenotype of the affected individual, and thus deemed to be causative for their condition.

Literature cited by the submitters: PubMed 39825153.

GRCh37/hg19 Xp21.1(chrX:32429817-32867988)x1

Gene: DMD (dystrophin; minus strand). Cytogenetic location: Xp21.1.
Variant type: copy number loss.
Change: copy number 1 of chrX:32,429,817-32,867,988 (438.2 kb, GRCh37 coordinates, 1-based), cytogenetic band Xp21.1.
Identifiers: ClinVar variation 3338464 (VCV003338464.1).